The following is an entry in ClinVar:

NM_017777.4(MKS1):c.81-3C>G

Gene: MKS1 (MKS transition zone complex subunit 1; minus strand). Cytogenetic location: 17q22.
Variant type: single nucleotide variant.
Coding change: c.81-3C>G on transcript NM_017777.4 (MANE Select); 3 bases into the intron before coding-DNA position 81, C replaced by G.
Molecular consequence: intron variant.
Genome position (GRCh38, 1-based): chr17:58,218,732, G>C on the plus strand (C>G on the coding strand, the complement: MKS1 is on the minus strand). VCF-style: chr17-58218732-G-C. GRCh37 (hg19) VCF-style: chr17-56296093-G-C.
Other names: c.-431-3C>G (NM_001321268.2); c.81-3C>G (NM_001330397.2, NM_001321269.2, NM_001411113.1).
Identifiers: ClinVar variation 4991418 (VCV004991418.1).

ClinVar aggregate classification (germline): Uncertain significance (1 of 4 stars; one submission).

Conditions:
MKS1-related disorder. Also called: MKS1-related disorders; MKS1-related condition. Identifiers: MedGen CN239382.

gnomAD v4.1: 1 of 1,610,588 alleles (0.000062%); highest among the groups gnomAD compares: Non-Finnish European, 0.000085%; no homozygotes.

Submission:

PreventionGenetics, part of Exact Sciences
Classification: Uncertain significance for MKS1-related condition. Last evaluated: 2026-01-14. Review status: criteria provided, single submitter. Criteria: ACMG Guidelines, 2015. Collection method: clinical testing. Allele origin: germline.
Comment: The MKS1 c.81-3C>G variant is predicted to interfere with splicing. To our knowledge, this variant has not been reported in the literature or in a large population database (gnomAD), indicating this variant is rare. At this time, the clinical significance of this variant is uncertain due to the absence of conclusive functional and genetic evidence.